The following is an entry in ClinVar:

ClinVar aggregate classification (germline): Uncertain significance (1 of 4 stars; one submission).

Conditions:
Kabuki syndrome. Also called: NIIKAWA-KUROKI SYNDROME; Kabuki make-up syndrome. Identifiers: Orphanet 2322, MedGen C0796004, MONDO:0016512.

Submission:

Labcorp Genetics (formerly Invitae), Labcorp
Classification: Uncertain significance for Kabuki syndrome. Last evaluated: 2023-10-19. Review status: criteria provided, single submitter. Criteria: Invitae Variant Classification Sherloc (09022015). Collection method: clinical testing. Allele origin: germline.
Comment: This sequence change replaces lysine, which is basic and polar, with glutamic acid, which is acidic and polar, at codon 5344 of the KMT2D protein (p.Lys5344Glu). This variant is not present in population databases (gnomAD no frequency). This variant has not been reported in the literature in individuals affected with KMT2D-related conditions. Advanced modeling of protein sequence and biophysical properties (such as structural, functional, and spatial information, amino acid conservation, physicochemical variation, residue mobility, and thermodynamic stability) performed at Invitae indicates that this missense variant is expected to disrupt KMT2D protein function. In summary, the available evidence is currently insufficient to determine the role of this variant in disease. Therefore, it has been classified as a Variant of Uncertain Significance.

NM_003482.4(KMT2D):c.16030A>G (p.Lys5344Glu)

Gene: KMT2D (lysine methyltransferase 2D; minus strand). Cytogenetic location: 12q13.12.
Variant type: single nucleotide variant.
Coding change: c.16030A>G on transcript NM_003482.4 (MANE Select); coding-DNA position 16030, A replaced by G.
Protein change: p.Lys5344Glu; replaces lysine 5344 with glutamic acid.
Molecular consequence: missense variant.
Genome position (GRCh38, 1-based): chr12:49,024,600, T>C on the plus strand (A>G on the coding strand, the complement: KMT2D is on the minus strand). VCF-style: chr12-49024600-T-C. GRCh37 (hg19) VCF-style: chr12-49418383-T-C.
Other names: short protein forms K5344E.
Identifiers: ClinVar variation 2770142 (VCV002770142.3), dbSNP rs2499030461, ClinGen allele CA384681222.
Genomic context (GRCh38, chr12:49,024,600, plus strand): 5'-CACACCCACATCCCTTGGCTCCAGCATCACAAGCTCACCGTTTGTAGTGTGTGAGGATTT[T>C]AGGCTCTGATCGGGCACAGCCAGTGGGGTTGATCATGAGTGGCAGCTCCATAAGGGGGTG-3'
Protein context (NP_003473.3, residues 5334-5354): NPTGCARSEP[Lys5344Glu]ILTHYKRPHT